The following is an entry in ClinVar:

NM_018076.5(ODAD2):c.379G>A (p.Glu127Lys)

Gene: ODAD2 (outer dynein arm docking complex subunit 2; minus strand). Cytogenetic location: 10p12.1.
Variant type: single nucleotide variant.
Coding change: c.379G>A on transcript NM_018076.5 (MANE Select); coding-DNA position 379, G replaced by A.
Protein change: p.Glu127Lys; replaces glutamic acid 127 with lysine.
Molecular consequence: missense variant.
Genome position (GRCh38, 1-based): chr10:27,987,389, C>T on the plus strand (G>A on the coding strand, the complement: ODAD2 is on the minus strand). VCF-style: chr10-27987389-C-T. GRCh37 (hg19) VCF-style: chr10-28276318-C-T.
Other names: c.379G>A, p.Glu127Lys (NM_001290020.2); short protein forms E127K.
Identifiers: ClinVar variation 572856 (VCV000572856.9), dbSNP rs1413564498, ClinGen allele CA376397475.

ClinVar aggregate classification (germline): Uncertain significance (1 of 4 stars; one submission).

Conditions:
Primary ciliary dyskinesia 23 (CILD23). Also called: CILIARY DYSKINESIA, PRIMARY, 23, WITH OR WITHOUT SITUS INVERSUS. Identifiers: Orphanet 244, MedGen C3809548, MONDO:0014193, OMIM 615451.

Allele frequency attached by ClinVar (database versions not stated): gnomAD exomes below 0.00001 and 0.00001; TOPMed 0.00001; gnomAD 0.00002.
gnomAD v4.1: 23 of 1,612,696 alleles (0.0014%); highest among the groups gnomAD compares: Non-Finnish European, 0.0019%; no homozygotes.

Submission:

Labcorp Genetics (formerly Invitae), Labcorp
Classification: Uncertain significance for Primary ciliary dyskinesia 23. Last evaluated: 2019-01-17. Review status: criteria provided, single submitter. Criteria: Invitae Variant Classification Sherloc (09022015). Collection method: clinical testing. Allele origin: germline.
Comment: In summary, the available evidence is currently insufficient to determine the role of this variant in disease. Therefore, it has been classified as a Variant of Uncertain Significance. Algorithms developed to predict the effect of missense changes on protein structure and function do not agree on the potential impact of this missense change (SIFT: "Deleterious"; PolyPhen-2: "Benign"; Align-GVGD: "Class C0"). This variant has not been reported in the literature in individuals with ARMC4-related disease. This variant is not present in population databases (ExAC no frequency). This sequence change replaces glutamic acid with lysine at codon 127 of the ARMC4 protein (p.Glu127Lys). The glutamic acid residue is moderately conserved and there is a small physicochemical difference between glutamic acid and lysine.